The following is an entry in ClinVar:

NM_001242957.3(MAK):c.955G>A (p.Val319Ile)

Gene: MAK (male germ cell associated kinase; minus strand). Cytogenetic location: 6p24.2.
Variant type: single nucleotide variant.
Coding change: c.955G>A on transcript NM_001242957.3 (MANE Select); coding-DNA position 955, G replaced by A.
Protein change: p.Val319Ile; replaces valine 319 with isoleucine.
Molecular consequence: missense variant. On other transcripts: non-coding transcript variant (2).
Genome position (GRCh38, 1-based): chr6:10,796,186, C>T on the plus strand (G>A on the coding strand, the complement: MAK is on the minus strand). VCF-style: chr6-10796186-C-T. GRCh37 (hg19) VCF-style: chr6-10796419-C-T.
Other names: c.955G>A, p.Val319Ile (NM_001242385.2, NM_005906.6); c.853G>A, p.Val285Ile (NM_001377262.1); short protein forms V285I, V319I.
Identifiers: ClinVar variation 1945496 (VCV001945496.4), dbSNP rs1397731773, ClinGen allele CA362719675.

ClinVar aggregate classification (germline): Uncertain significance (1 of 4 stars; one submission).

Allele frequency attached by ClinVar (database versions not stated): TOPMed below 0.00001.

Submission:

Labcorp Genetics (formerly Invitae), Labcorp
Classification: Uncertain significance. Last evaluated: 2022-05-14. Review status: criteria provided, single submitter. Criteria: Invitae Variant Classification Sherloc (09022015). Collection method: clinical testing. Allele origin: germline.
Comment: In summary, the available evidence is currently insufficient to determine the role of this variant in disease. Therefore, it has been classified as a Variant of Uncertain Significance. Advanced modeling of protein sequence and biophysical properties (such as structural, functional, and spatial information, amino acid conservation, physicochemical variation, residue mobility, and thermodynamic stability) performed at Invitae indicates that this missense variant is not expected to disrupt MAK protein function. This variant has not been reported in the literature in individuals affected with MAK-related conditions. This variant is present in population databases (no rsID available, gnomAD 0.0009%). This sequence change replaces valine, which is neutral and non-polar, with isoleucine, which is neutral and non-polar, at codon 319 of the MAK protein (p.Val319Ile).